The following is an entry in ClinVar:

NM_182961.4(SYNE1):c.8005-3C>T

Gene: SYNE1 (spectrin repeat containing nuclear envelope protein 1; minus strand). Cytogenetic location: 6q25.2.
Variant type: single nucleotide variant.
Coding change: c.8005-3C>T on transcript NM_182961.4 (MANE Select); 3 bases into the intron before coding-DNA position 8005, C replaced by T.
Molecular consequence: intron variant.
Genome position (GRCh38, 1-based): chr6:152,390,455, G>A on the plus strand (C>T on the coding strand, the complement: SYNE1 is on the minus strand). VCF-style: chr6-152390455-G-A. GRCh37 (hg19) VCF-style: chr6-152711590-G-A.
Other names: c.8005-3C>T (NM_182961.2); c.8026-3C>T (NM_033071.5).
Identifiers: ClinVar variation 355902 (VCV000355902.23), dbSNP rs117084693, ClinGen allele CA4057634.

ClinVar aggregate classification (germline): Conflicting classifications of pathogenicity. Review status: criteria provided, conflicting classifications (1 of 4 stars). 5 submissions from 4 submitters: Uncertain significance (1); Benign (2); Likely benign (2). Last evaluated 2025-11-25.

Conditions:
Autosomal recessive ataxia, Beauce type. Also called: SYNE1 Deficiency; SYNE1-Related Autosomal Recessive Cerebellar Ataxia; Spinocerebellar ataxia, autosomal recessive 8; ATAXIA, RECESSIVE, OF BEAUCE. Identifiers: Orphanet 88644, MedGen C1853116, MONDO:0012549, OMIM 610743.
Emery-Dreifuss muscular dystrophy 4, autosomal dominant (EDMD4). Also called: EMERY-DREIFUSS MUSCULAR DYSTROPHY 4 WITH VARIABLE FEATURES. Identifiers: Orphanet 261, MedGen C2751807, MONDO:0013071, OMIM 612998.

Allele frequency attached by ClinVar (database versions not stated): gnomAD 0.00011 and 0.00021; gnomAD exomes 0.00013 and 0.00043; TOPMed 0.00023; ExAC 0.00042; 1000 Genomes Project 30x 0.00141; 1000 Genomes Project 0.00180.
gnomAD v4.1: 220 of 1,613,852 alleles (0.014%); highest among the groups gnomAD compares: East Asian, 0.44%; no homozygotes.

Submissions (5):

Labcorp Genetics (formerly Invitae), Labcorp
Classification: Likely benign for Emery-Dreifuss muscular dystrophy 4, autosomal dominant; Autosomal recessive ataxia, Beauce type. Last evaluated: 2025-11-25. Review status: criteria provided, single submitter. Criteria: Invitae Variant Classification Sherloc (09022015). Collection method: clinical testing. Allele origin: germline.

Athena Diagnostics
Classification: Benign. Last evaluated: 2023-12-15. Review status: criteria provided, single submitter. Criteria: Athena Diagnostics Criteria. Collection method: clinical testing. Allele origin: unknown.

Illumina Laboratory Services, Illumina
Classification: Likely benign for Autosomal recessive ataxia, Beauce type. Last evaluated: 2018-01-13. Review status: criteria provided, single submitter. Criteria: ICSL Variant Classification Criteria 13 December 2019. Collection method: clinical testing. Allele origin: germline.
Comment: This variant was observed in the ICSL laboratory as part of a predisposition screen in an ostensibly healthy population. It had not been previously curated by ICSL or reported in the Human Gene Mutation Database (HGMD: prior to June 1st, 2018), and was therefore a candidate for classification through an automated scoring system. Utilizing variant allele frequency, disease prevalence and penetrance estimates, and inheritance mode, an automated score was calculated to assess if this variant is too frequent to cause the disease. Based on the score and internal cut-off values, a variant classified as likely benign is not then subjected to further curation. The score for this variant resulted in a classification of likely benign for this disease.

Illumina Laboratory Services, Illumina
Classification: Benign for Emery-Dreifuss muscular dystrophy 4, autosomal dominant. Last evaluated: 2018-01-13. Review status: criteria provided, single submitter. Criteria: ICSL Variant Classification Criteria 13 December 2019. Collection method: clinical testing. Allele origin: germline.
Comment: This variant was observed in the ICSL laboratory as part of a predisposition screen in an ostensibly healthy population. It had not been previously curated by ICSL or reported in the Human Gene Mutation Database (HGMD: prior to June 1st, 2018), and was therefore a candidate for classification through an automated scoring system. Utilizing variant allele frequency, disease prevalence and penetrance estimates, and inheritance mode, an automated score was calculated to assess if this variant is too frequent to cause the disease. Based on the score and internal cut-off values, a variant classified as benign is not then subjected to further curation. The score for this variant resulted in a classification of benign for this disease.

ARUP Laboratories, Molecular Genetics and Genomics, ARUP Laboratories
Classification: Uncertain significance. Last evaluated: 2016-10-24. Review status: criteria provided, single submitter. Criteria: ARUP Molecular Germline Variant Investigation Process. Collection method: clinical testing. Allele origin: germline.